The following is an entry in ClinVar:

ClinVar aggregate classification (germline): Conflicting classifications of pathogenicity. Review status: criteria provided, conflicting classifications (1 of 4 stars). 6 submissions from 6 submitters: Uncertain significance (5); Likely benign (1). Last evaluated 2025-08-07.

Conditions:
Inborn genetic diseases. Identifiers: MedGen C0950123, MeSH D030342.
Autosomal dominant nonsyndromic hearing loss 25. Identifiers: Orphanet 90635, MedGen C1854158, MONDO:0011568, OMIM 605583.

Allele frequency attached by ClinVar (database versions not stated): gnomAD exomes 0.00006 and 0.00014; gnomAD 0.00007; ExAC 0.00012; TOPMed 0.00014.
gnomAD v4.1: 111 of 1,614,006 alleles (0.0069%); highest among the groups gnomAD compares: Admixed American, 0.018%; no homozygotes.

Submissions (6):

Labcorp Genetics (formerly Invitae), Labcorp
Classification: Likely benign. Last evaluated: 2025-08-07. Review status: criteria provided, single submitter. Criteria: Invitae Variant Classification Sherloc (09022015). Collection method: clinical testing. Allele origin: germline.

GeneDx
Classification: Uncertain significance. Last evaluated: 2024-08-19. Review status: criteria provided, single submitter. Criteria: GeneDx Variant Classification Process June 2021. Collection method: clinical testing. Allele origin: germline. Affected: yes.
Comment: In silico analysis indicates that this missense variant does not alter protein structure/function; Has not been previously published as pathogenic or benign to our knowledge

Ambry Genetics
Classification: Uncertain significance for Inborn genetic diseases. Last evaluated: 2022-12-21. Review status: criteria provided, single submitter. Criteria: Ambry Variant Classification Scheme 2023. Collection method: clinical testing. Allele origin: germline.

Department of Pathology and Laboratory Medicine, Sinai Health System
Classification: Uncertain significance for Autosomal dominant nonsyndromic hearing loss 25. Last evaluated: 2020-07-14. Review status: criteria provided, single submitter. Criteria: ACMG Guidelines, 2015. Collection method: research. Allele origin: germline.

Illumina Laboratory Services, Illumina
Classification: Uncertain significance for Autosomal dominant nonsyndromic hearing loss 25. Last evaluated: 2018-01-12. Review status: criteria provided, single submitter. Criteria: ICSL Variant Classification Criteria 13 December 2019. Collection method: clinical testing. Allele origin: germline.

Laboratory for Molecular Medicine, Mass General Brigham Personalized Medicine
Classification: Uncertain significance. Last evaluated: 2014-08-19. Review status: criteria provided, single submitter. Criteria: LMM Criteria. Collection method: clinical testing. Allele origin: germline. Observed: 1 variant allele.
Comment: Variant classified as Uncertain Significance - Favor Benign. The Leu466Ile varia nt in SLC17A8 has not been reported in individuals with hearing loss, but has be en identified in 1/1323 of European Chromosomes by the ClinSeq project (dbSNP rs201180712). The leucine (Leu) at position 466 is conserved in mammals, but not in birds or evolutionarily distant species, with scarlet macaw and softshell turtle having an isoleucine (Ile) at this position, supporting that this change may be tolerated. Additional computational predicti on tools also suggest this variant may not impact the protein, though this infor mation is not predictive enough to rule out pathogenicity. In summary, the clini cal significance of this variant cannot be determined with certainty; however, t he conservation and computational data suggest that it is more likely to be beni gn.

NM_139319.3(SLC17A8):c.1396C>A (p.Leu466Ile)

Gene: SLC17A8 (solute carrier family 17 member 8; plus strand). Cytogenetic location: 12q23.1.
Variant type: single nucleotide variant.
Coding change: c.1396C>A on transcript NM_139319.3 (MANE Select); coding-DNA position 1396, C replaced by A.
Protein change: p.Leu466Ile; replaces leucine 466 with isoleucine.
Molecular consequence: missense variant.
Genome position (GRCh38, 1-based): chr12:100,418,127, C>A. VCF-style: chr12-100418127-C-A. GRCh37 (hg19) VCF-style: chr12-100811905-C-A.
Other names: c.1246C>A, p.Leu416Ile (NM_001145288.2); short protein forms L466I, L416I.
Identifiers: ClinVar variation 179803 (VCV000179803.21), dbSNP rs201180712, ClinGen allele CA185170.